The following is an entry in ClinVar:

ClinVar aggregate classification (germline): Uncertain significance (1 of 4 stars; one submission).

gnomAD v4.1: 2 of 1,602,998 alleles (0.00012%); highest among the groups gnomAD compares: Non-Finnish European, 0.00017%; no homozygotes.

Submission:

Labcorp Genetics (formerly Invitae), Labcorp
Classification: Uncertain significance. Last evaluated: 2024-09-17. Review status: criteria provided, single submitter. Criteria: Invitae Variant Classification Sherloc (09022015). Collection method: clinical testing. Allele origin: germline.
Comment: This sequence change replaces lysine, which is basic and polar, with glutamic acid, which is acidic and polar, at codon 939 of the MYH9 protein (p.Lys939Glu). This variant is not present in population databases (gnomAD no frequency). This variant has not been reported in the literature in individuals affected with MYH9-related conditions. Invitae Evidence Modeling of protein sequence and biophysical properties (such as structural, functional, and spatial information, amino acid conservation, physicochemical variation, residue mobility, and thermodynamic stability) indicates that this missense variant is not expected to disrupt MYH9 protein function with a negative predictive value of 80%. In summary, the available evidence is currently insufficient to determine the role of this variant in disease. Therefore, it has been classified as a Variant of Uncertain Significance.

NM_002473.6(MYH9):c.2815A>G (p.Lys939Glu)

Genes: MYH9 (myosin heavy chain 9; minus strand), LOC126863137 (CDK7 strongly-dependent group 2 enhancer GRCh37_chr22:36696002-36697201; plus strand). Cytogenetic location: 22q12.3.
Variant type: single nucleotide variant.
Coding change: c.2815A>G on transcript NM_002473.6 (MANE Select); coding-DNA position 2815, A replaced by G.
Protein change: p.Lys939Glu; replaces lysine 939 with glutamic acid.
Molecular consequence: missense variant.
Genome position (GRCh38, 1-based): chr22:36,300,874, T>C on the plus strand (A>G on the coding strand, the complement: MYH9 is on the minus strand). VCF-style: chr22-36300874-T-C. GRCh37 (hg19) VCF-style: chr22-36696920-T-C.
Other names: short protein forms K939E.
Identifiers: ClinVar variation 3701667 (VCV003701667.2).